The following is an entry in ClinVar:

ClinVar aggregate classification (germline): Pathogenic (1 of 4 stars; one submission).

Conditions:
15q11q13 microduplication syndrome. Also called: Chromosome 15q11-q13 duplication syndrome; DUPLICATION 15q11-q13 SYNDROME; Maternal 15q Duplication Syndrome; 15q11.2-q13.1 Duplication Syndrome. Identifiers: Orphanet 238446, MedGen C2675336, MONDO:0012081, OMIM 608636.

Submission:

Broad Center for Mendelian Genomics, Broad Institute of MIT and Harvard
Classification: Pathogenic for 15q11q13 microduplication syndrome. Last evaluated: 2022-08-25. Review status: criteria provided, single submitter. Criteria: ACMG/ClinGen CNV Guidelines, 2019. Collection method: curation. Allele origin: germline. Affected: yes.
Comment: There is complete overlap with the 5q11.2q13 recurrent (PWS/AS) region (Class 2,BP2-BP3), which is known to be triplosenstive and has been assessed by the ClinGen Dosage Sensitivity Working Group. Data from large population studies is insufficient to assess the frequency of this variant. In summary, this variant meets criteria to be classified as pathogenic for autosomal dominant Chromosome 15q11-q13 Duplication Syndrome. The ACMG/ClinGen evidence codes and points used in this curation are as follows: 1A: 0 points, 2A: 1.0 points, 3C: 0.90 points, 4: 0.0 points, 5A: 0.15 points; Total: 2.05 points; Riggs 2020 (PMID: 31690835).

Single allele

Genes: LINC00929 (long independently transcribed non-coding RNA 929; plus strand), LINC02250 (long independently transcribed non-coding RNA 2250; minus strand), LINC02346 (long independently transcribed non-coding RNA 2346; plus strand), MAGEL2 (MAGE family member L2; minus strand), MIR4508 (microRNA 4508; minus strand) and 175 more. Cytogenetic location: 15q11.2-13.1.
Variant type: Duplication.
Identifiers: ClinVar variation 1703231 (VCV001703231.1).